The following is an entry in ClinVar:

ClinVar aggregate classification (germline): Likely pathogenic (1 of 4 stars; one submission).

Conditions:
Retinitis pigmentosa 11 (RP11). Identifiers: Orphanet 791, MedGen C1838601, MONDO:0010828, OMIM 600138.

Submission:

Ocular Genomics Institute, Massachusetts Eye and Ear
Classification: Likely pathogenic for Retinitis pigmentosa 11. Last evaluated: 2021-04-08. Review status: criteria provided, single submitter. Criteria: ACMG Guidelines, 2015. Collection method: research. Allele origin: germline. Affected: yes.
Comment: Through a review of available evidence we were able to apply the following criteria: PVS1, PM2. Based on this evidence we have classified this variant as Likely Pathogenic.

NM_015629.4(PRPF31):c.1212_1221del (p.Val407fs)

Gene: PRPF31 (pre-mRNA processing factor 31; plus strand). Cytogenetic location: 19q13.42.
Variant type: Deletion.
Coding change: c.1212_1221del on transcript NM_015629.4 (MANE Select); coding-DNA positions 1212 to 1221, 10 bases deleted (TGGGCGTGTG; older notation c.1212_1221delTGGGCGTGTG).
Protein change: p.Val407fs; shifts the reading frame from valine 407.
Molecular consequence: frameshift variant.
Genome position (GRCh38, 1-based): chr19:54,129,122-54,129,131, TGGGCGTGTG deleted; deleting any 10 consecutive bases within chr19:54,129,121-54,129,131 gives the same sequence; the c. name uses the placement nearest the transcript's 3' end. VCF-style (leftmost placement, unchanged base first): chr19-54129120-AGTGGGCGTGT-A. GRCh37 (hg19) VCF-style: chr19-54632495-AGTGGGCGTGT-A.
Other names: short protein forms V407fs.
Identifiers: ClinVar variation 1065654 (VCV001065654.1), dbSNP rs2146450161, ClinGen allele CA2499225597.